The following is an entry in ClinVar:

NM_000081.4(LYST):c.8717T>C (p.Ile2906Thr)

Gene: LYST (lysosomal trafficking regulator; minus strand). Cytogenetic location: 1q42.3.
Variant type: single nucleotide variant.
Coding change: c.8717T>C on transcript NM_000081.4 (MANE Select); coding-DNA position 8717, T replaced by C.
Protein change: p.Ile2906Thr; replaces isoleucine 2906 with threonine.
Molecular consequence: missense variant.
Genome position (GRCh38, 1-based): chr1:235,733,587, A>G on the plus strand (T>C on the coding strand, the complement: LYST is on the minus strand). VCF-style: chr1-235733587-A-G. GRCh37 (hg19) VCF-style: chr1-235896887-A-G.
Other names: c.8717T>C, p.Ile2906Thr (NM_001301365.1); short protein forms I2906T.
Identifiers: ClinVar variation 2790937 (VCV002790937.2), dbSNP rs1376131768, ClinGen allele CA344920247.

ClinVar aggregate classification (germline): Uncertain significance (1 of 4 stars; one submission).

Conditions:
Chédiak-Higashi syndrome (CHS). Also called: Chediak-Higashi Syndrome. Identifiers: Orphanet 167, MedGen C0007965, MONDO:0008963, OMIM 214500.

Allele frequency attached by ClinVar (database versions not stated): TOPMed below 0.00001; gnomAD 0.00001.
gnomAD v4.1: 3 of 1,613,742 alleles (0.00019%); highest among the groups gnomAD compares: East Asian, 0.0022%; no homozygotes.

Submission:

Labcorp Genetics (formerly Invitae), Labcorp
Classification: Uncertain significance for Chédiak-Higashi syndrome. Last evaluated: 2022-12-26. Review status: criteria provided, single submitter. Criteria: Invitae Variant Classification Sherloc (09022015). Collection method: clinical testing. Allele origin: germline.
Comment: Advanced modeling of protein sequence and biophysical properties (such as structural, functional, and spatial information, amino acid conservation, physicochemical variation, residue mobility, and thermodynamic stability) has been performed at Invitae for this missense variant, however the output from this modeling did not meet the statistical confidence thresholds required to predict the impact of this variant on LYST protein function. In summary, the available evidence is currently insufficient to determine the role of this variant in disease. Therefore, it has been classified as a Variant of Uncertain Significance. This variant has not been reported in the literature in individuals affected with LYST-related conditions. This sequence change replaces isoleucine, which is neutral and non-polar, with threonine, which is neutral and polar, at codon 2906 of the LYST protein (p.Ile2906Thr). This variant is not present in population databases (gnomAD no frequency).